The following is an entry in ClinVar:

ClinVar aggregate classification (germline): Likely benign (1 of 4 stars; one submission).

gnomAD v4.1: 4 of 1,593,752 alleles (0.00025%); highest among the groups gnomAD compares: South Asian, 0.0034%; no homozygotes.

Submission:

CeGaT Center for Human Genetics Tuebingen
Classification: Likely benign. Last evaluated: 2023-11-01. Review status: criteria provided, single submitter. Criteria: CeGaT Center For Human Genetics Tuebingen Variant Classification Criteria Version 2. Collection method: clinical testing. Allele origin: germline. Affected: yes. Observed: 1 variant allele.
Comment: CACNA1E: PM2:Supporting, BP4, BP7

NM_001205293.3(CACNA1E):c.1650C>A (p.Gly550=)

Gene: CACNA1E (calcium voltage-gated channel subunit alpha1 E; plus strand). Cytogenetic location: 1q25.3.
Variant type: single nucleotide variant.
Coding change: c.1650C>A on transcript NM_001205293.3 (MANE Select); coding-DNA position 1650, C replaced by A.
Protein change: p.Gly550=; no amino-acid change (glycine 550 retained).
Molecular consequence: synonymous variant.
Genome position (GRCh38, 1-based): chr1:181,719,762, C>A. VCF-style: chr1-181719762-C-A. GRCh37 (hg19) VCF-style: chr1-181688898-C-A.
Other names: c.1650C>A, p.Gly550= (NM_000721.4, NM_001205294.2).
Identifiers: ClinVar variation 2672372 (VCV002672372.23), dbSNP rs2528541310, ClinGen allele CA422071059.
Genomic context (GRCh38, chr1:181,719,762, plus strand): 5'-TCTTCTCCTCTTCCTCCTCCTCTCACTGTGGCTGGCATTGCCTCTCTAGGTCACAGTGGG[C>A]AGTATCTTTGAAGTGGTCTGGGCAATCTTCAGACCTGGTACGTCTTTTGGAATCAGTGTC-3'
Protein context (NP_001192222.1, residues 540-560): FNCFDFGVTV[Gly550=]SIFEVVWAIF